The following is an entry in ClinVar:

NM_001555.5(IGSF1):c.404_407del (p.Trp135fs)

Gene: IGSF1 (immunoglobulin superfamily member 1; minus strand). Cytogenetic location: Xq26.1.
Variant type: Deletion.
Coding change: c.404_407del on transcript NM_001555.5 (MANE Select); coding-DNA positions 404 to 407, 4 bases deleted (GGAT; older notation c.404_407delGGAT).
Protein change: p.Trp135fs; shifts the reading frame from tryptophan 135.
Molecular consequence: frameshift variant.
Genome position (GRCh38, 1-based): chrX:131,285,439-131,285,442, ATCC deleted on the plus strand (GGAT on the coding strand, the reverse complement: IGSF1 is on the minus strand); deleting any 4 consecutive bases within chrX:131,285,439-131,285,443 gives the same sequence; the c. name uses the placement nearest the transcript's 3' end. VCF-style (leftmost placement, unchanged base first): chrX-131285438-AATCC-A. GRCh37 (hg19) VCF-style: chrX-130419412-AATCC-A.
Other names: c.404_407del, p.Trp135fs (NM_001170961.2, NM_001170963.2, NM_205833.4); c.377_380del, p.Trp126fs (NM_001170962.2); short protein forms W126fs, W135fs.
Identifiers: ClinVar variation 3377351 (VCV003377351.1).
Genomic context (GRCh38, chrX:131,285,438, plus strand): 5'-CAGCCAGCCATGGCAGAGGATGTTAACATTACACCCAGGAAGAGCGGGGGTCTCAGCCTG[AATCC>A]AGAAGATGGGCTTGGGCAGTTGGCCTGGAAGGATAGAATGAACTGGAATTAGGTAAAGCA-3'

ClinVar aggregate classification (germline): Pathogenic (1 of 4 stars; one submission).

Conditions:
X-linked central congenital hypothyroidism with late-onset testicular enlargement. Also called: Hypothyroidism, central, and testicular enlargement; HYPOTHYROIDISM, CENTRAL, WITH TESTICULAR ENLARGEMENT. Identifiers: Orphanet 329235, MedGen C3550963, MONDO:0010475, OMIM 300888.

Submission:

Victorian Clinical Genetics Services, Murdoch Childrens Research Institute
Classification: Pathogenic for X-linked central congenital hypothyroidism with late-onset testicular enlargement. Last evaluated: 2024-10-09. Review status: criteria provided, single submitter. Criteria: ACMG Guidelines, 2015. Collection method: clinical testing. Allele origin: germline. Inheritance: X-linked recessive inheritance.
Comment: Based on the classification scheme VCGS_Germline_v1.3.4, this variant is classified as Pathogenic. Following criteria are met: 0102 - Loss of function is a known mechanism of disease in this gene and is associated with central hypothyroidism and testicular enlargement (MIM#300888). (I) 0109 - This gene is associated with X-linked recessive disease. (I) 0115 - Variants in this gene are known to have variable expressivity. Intrafamilial variability has been observed (OMIM, PMID: 26840047). (I) 0202 - Variant is predicted to cause nonsense-mediated decay (NMD) and loss of protein (premature termination codon is located at least 54 nucleotides upstream of the final exon-exon junction), but is located in an exon that may undergo alternative splicing. (SP) 0253 - This variant is hemizygous. (I) 0304 - Variant is present in gnomAD v3 <0.01 for a recessive condition (1 heterozygote, 1 hemizygote). (SP) 0701 - Other null variants comparable to the one identified in this case have very strong previous evidence for pathogenicity. There are at least nine NMD-predicted variants that have been classified as likely pathogenic or pathogenic (DECIPHER). (SP) 0807 - This variant has no previous evidence of pathogenicity. (I) 0905 - No published segregation evidence has been identified for this variant. (I) 1007 - No published functional evidence has been identified for this variant. (I) 1208 - Inheritance information for this variant is not currently available in this individual. (I) Legend: (SP) - Supporting pathogenic, (I) - Information, (SB) - Supporting benign

Literature cited by the submitters: PubMed 26840047.